The following is an entry in ClinVar:

NM_001063.4(TF):c.1302C>T (p.Ser434=)

Gene: TF (transferrin; plus strand). Cytogenetic location: 3q22.1.
Variant type: single nucleotide variant.
Coding change: c.1302C>T on transcript NM_001063.4 (MANE Select); coding-DNA position 1302, C replaced by T.
Protein change: p.Ser434=; no amino-acid change (serine 434 retained).
Molecular consequence: synonymous variant.
Genome position (GRCh38, 1-based): chr3:133,764,879, C>T. VCF-style: chr3-133764879-C-T. GRCh37 (hg19) VCF-style: chr3-133483723-C-T.
Other names: c.1170C>T, p.Ser390= (NM_001354703.2); c.921C>T, p.Ser307= (NM_001354704.2).
Identifiers: ClinVar variation 343443 (VCV000343443.17), dbSNP rs142542411, ClinGen allele CA2625256.

ClinVar aggregate classification (germline): Benign/Likely benign. Review status: criteria provided, multiple submitters, no conflicts (2 of 4 stars). 5 submissions from 5 submitters: Benign (1); Likely benign (4). Last evaluated 2026-03-17.

Conditions:
TF-related disorder. Also called: TF-related condition.
Atransferrinemia. Also called: Familial hypotransferrinemia. Identifiers: Orphanet 1195, MedGen C0521802, MONDO:0008846, OMIM 209300, HP:0012239.

Allele frequency attached by ClinVar (database versions not stated): ESP Exome Variant Server 0.00023; gnomAD 0.00026 and 0.00036; TOPMed 0.00040; gnomAD exomes 0.00077; ExAC 0.00082; 1000 Genomes Project 30x 0.00109; 1000 Genomes Project 0.00120.
gnomAD v4.1: 632 of 1,613,808 alleles (0.039%); highest among the groups gnomAD compares: South Asian, 0.41%; 6 homozygotes.

Submissions (5):

PreventionGenetics, part of Exact Sciences
Classification: Likely benign for TF-related condition. Last evaluated: 2026-03-17. Review status: criteria provided, single submitter. Criteria: ACMG Guidelines, 2015. Collection method: clinical testing. Allele origin: germline.
Comment: This variant is classified as likely benign based on ACMG/AMP sequence variant interpretation guidelines (Richards et al. 2015 PMID: 25741868, with internal and published modifications).

Labcorp Genetics (formerly Invitae), Labcorp
Classification: Benign. Last evaluated: 2026-01-26. Review status: criteria provided, single submitter. Criteria: Invitae Variant Classification Sherloc (09022015). Collection method: clinical testing. Allele origin: germline.

Blueprint Genetics
Classification: Likely benign. Last evaluated: 2024-11-22. Review status: criteria provided, single submitter. Criteria: ACMG Guidelines, 2015. Collection method: clinical testing. Allele origin: germline.

Illumina Laboratory Services, Illumina
Classification: Likely benign for Atransferrinemia. Last evaluated: 2018-01-13. Review status: criteria provided, single submitter. Criteria: ICSL Variant Classification Criteria 13 December 2019. Collection method: clinical testing. Allele origin: germline.
Comment: This variant was observed in the ICSL laboratory as part of a predisposition screen in an ostensibly healthy population. It had not been previously curated by ICSL or reported in the Human Gene Mutation Database (HGMD: prior to June 1st, 2018), and was therefore a candidate for classification through an automated scoring system. Utilizing variant allele frequency, disease prevalence and penetrance estimates, and inheritance mode, an automated score was calculated to assess if this variant is too frequent to cause the disease. Based on the score and internal cut-off values, a variant classified as likely benign is not then subjected to further curation. The score for this variant resulted in a classification of likely benign for this disease.

Breakthrough Genomics
Classification: Likely benign. Review status: criteria provided, single submitter. Criteria: ACMG Guidelines, 2015. Collection method: not provided. Allele origin: germline. Inheritance: Autosomal recessive inheritance. Affected: yes.